The following is an entry in ClinVar:

ClinVar aggregate classification (germline): Pathogenic (0 of 4 stars; one submission).

Conditions:
Alkaptonuria (AKU). Also called: Alkaptonuric ochronosis; Homogentisic acidura; HOMOGENTISIC ACID OXIDASE DEFICIENCY; Alcaptonuria. Identifiers: Orphanet 56, MedGen C0002066, MONDO:0008753, OMIM 203500.

Submission:

Department Of Human Genetics, Institute Of Clinical And Translational Research, Biomedical Research Center, Slovak Academy Of Sciences
Classification: Pathogenic for Alkaptonuria. Review status: no assertion criteria provided. Collection method: research. Allele origin: germline. Inheritance: Autosomal recessive inheritance. Affected: yes. Observed: 1 variant allele.
Comment: Variant was identified by MLPA as a deletion of exons 5-6 (reported in PMID:30737480). Deletion breakpoints were reported in PMID:35110678. It has been submitted to the HGD gene mutation database (DB-ID: AKU_00197).

Literature cited by the submitters: PubMed 30737480.

NM_000187.4:c.283-9199_434+1688del

Gene: HGD (homogentisate 1,2-dioxygenase; minus strand).
Variant type: Deletion.
Other names: c.283-9199_434+1688del (NM_000187.4).
Identifiers: ClinVar variation 2584689 (VCV002584689.2).